The following is an entry in ClinVar:

ClinVar aggregate classification (germline): Uncertain significance (1 of 4 stars; one submission).

Conditions:
Hereditary spastic paraplegia 11. Also called: Nakamura Osame syndrome; Autosomal recessive hereditary spastic paraplegia, mental impairment, and thin corpus callosum; SPASTIC PARAPLEGIA, AUTOSOMAL RECESSIVE, COMPLICATED, WITH THIN CORPUS CALLOSUM; SPASTIC PARAPLEGIA, AUTOSOMAL RECESSIVE, WITH MENTAL IMPAIRMENT AND THIN CORPUS CALLOSUM; Spastic Paraplegia 11; Spastic paraplegia, mental retardation and thin corpus callosum. Identifiers: Orphanet 2822, MedGen C1858479, MONDO:0011445, OMIM 604360.

Submission:

Labcorp Genetics (formerly Invitae), Labcorp
Classification: Uncertain significance for Hereditary spastic paraplegia 11. Last evaluated: 2024-10-26. Review status: criteria provided, single submitter. Criteria: Invitae Variant Classification Sherloc (09022015). Collection method: clinical testing. Allele origin: germline.
Comment: This sequence change replaces leucine, which is neutral and non-polar, with arginine, which is basic and polar, at codon 1473 of the SPG11 protein (p.Leu1473Arg). This variant is not present in population databases (gnomAD no frequency). This variant has not been reported in the literature in individuals affected with SPG11-related conditions. ClinVar contains an entry for this variant (Variation ID: 2016490). Invitae Evidence Modeling of protein sequence and biophysical properties (such as structural, functional, and spatial information, amino acid conservation, physicochemical variation, residue mobility, and thermodynamic stability) indicates that this missense variant is expected to disrupt SPG11 protein function with a positive predictive value of 80%. In summary, the available evidence is currently insufficient to determine the role of this variant in disease. Therefore, it has been classified as a Variant of Uncertain Significance.

NM_025137.4(SPG11):c.4418T>G (p.Leu1473Arg)

Gene: SPG11 (SPG11 vesicle trafficking associated, spatacsin; minus strand). Cytogenetic location: 15q21.1.
Variant type: single nucleotide variant.
Coding change: c.4418T>G on transcript NM_025137.4 (MANE Select); coding-DNA position 4418, T replaced by G.
Protein change: p.Leu1473Arg; replaces leucine 1473 with arginine.
Molecular consequence: missense variant.
Genome position (GRCh38, 1-based): chr15:44,596,099, A>C on the plus strand (T>G on the coding strand, the complement: SPG11 is on the minus strand). VCF-style: chr15-44596099-A-C. GRCh37 (hg19) VCF-style: chr15-44888297-A-C.
Other names: c.4418T>G, p.Leu1473Arg (NM_001160227.2, NM_001411132.1); short protein forms L1473R.
Identifiers: ClinVar variation 2016490 (VCV002016490.4), dbSNP rs2505368642, ClinGen allele CA392227359.